The following is an entry in ClinVar:

ClinVar aggregate classification (germline): Benign/Likely benign. Review status: criteria provided, multiple submitters, no conflicts (2 of 4 stars). 3 submissions from 3 submitters: Benign (2); Likely benign (1). Last evaluated 2026-09-01.

Allele frequency attached by ClinVar (database versions not stated): ESP Exome Variant Server 0.00031; gnomAD exomes 0.00045 and 0.00191; gnomAD 0.00051; TOPMed 0.00065; ExAC 0.00142; 1000 Genomes Project 0.00160; 1000 Genomes Project 30x 0.00187.
gnomAD v4.1: 848 of 1,613,408 alleles (0.053%); highest among the groups gnomAD compares: Admixed American, 1.2%; 7 homozygotes.

Submissions (3):

CeGaT Center for Human Genetics Tuebingen
Classification: Likely benign. Last evaluated: 2026-09-01. Review status: criteria provided, single submitter. Criteria: CeGaT Center For Human Genetics Tuebingen Variant Classification Criteria Version 2. Collection method: clinical testing. Allele origin: germline. Affected: yes. Observed: 6 variant alleles.
Comment: ANGPT2: BP4, BS1

Labcorp Genetics (formerly Invitae), Labcorp
Classification: Benign. Last evaluated: 2019-12-31. Review status: criteria provided, single submitter. Criteria: Invitae Variant Classification Sherloc (09022015). Collection method: clinical testing. Allele origin: germline.

Breakthrough Genomics
Classification: Benign. Review status: criteria provided, single submitter. Criteria: ACMG Guidelines, 2015. Collection method: not provided. Allele origin: germline. Inheritance: Autosomal dominant inheritance. Affected: yes.

NM_001118887.2(ANGPT2):c.805G>C (p.Asp269His)

Genes: ANGPT2 (angiopoietin 2; minus strand), MCPH1 (microcephalin 1; plus strand). Cytogenetic location: 8p23.1.
Variant type: single nucleotide variant.
Coding change: c.805G>C on transcript NM_001118887.2 (MANE Select); coding-DNA position 805, G replaced by C.
Protein change: p.Asp269His; replaces aspartic acid 269 with histidine.
Molecular consequence: missense variant. On other transcripts: intron variant (6).
Genome position (GRCh38, 1-based): chr8:6,519,986, C>G on the plus strand (G>C on the coding strand, the complement: ANGPT2 is on the minus strand). VCF-style: chr8-6519986-C-G. GRCh37 (hg19) VCF-style: chr8-6377507-C-G.
Other names: c.652G>C, p.Asp218His (NM_001118888.2); c.808G>C, p.Asp270His (NM_001147.3, NM_001386336.1); c.649G>C, p.Asp217His (NM_001386335.1); c.805G>C, p.Asp269His (NM_001386337.1); c.2214+20057C>G (NM_001322042.2, NM_024596.5, NM_001363979.1 and 2 more transcripts); c.1935+64734C>G (NM_001363980.2); short protein forms D270H, D269H, D218H, D217H.
Identifiers: ClinVar variation 725884 (VCV000725884.9), dbSNP rs147113668, ClinGen allele CA4611165.